The following is an entry in ClinVar:

ClinVar aggregate classification (germline): Pathogenic/Likely pathogenic. Review status: criteria provided, multiple submitters, no conflicts (2 of 4 stars). 2 submissions from 2 submitters: Pathogenic (1); Likely pathogenic (1). Last evaluated 2025-01-23.

Submissions (2):

GeneDx
Classification: Likely pathogenic. Last evaluated: 2025-01-23. Review status: criteria provided, single submitter. Criteria: GeneDx Variant Classification Process June 2021. Collection method: clinical testing. Allele origin: germline. Affected: yes.
Comment: Frameshift variant predicted to result in protein truncation or nonsense mediated decay in a gene for which loss of function is a known mechanism of disease; Not observed at significant frequency in large population cohorts (gnomAD); Has not been previously published as pathogenic or benign to our knowledge

Labcorp Genetics (formerly Invitae), Labcorp
Classification: Pathogenic. Last evaluated: 2023-10-23. Review status: criteria provided, single submitter. Criteria: Invitae Variant Classification Sherloc (09022015). Collection method: clinical testing. Allele origin: germline.
Comment: This sequence change creates a premature translational stop signal (p.Thr257Serfs*2) in the ROBO1 gene. It is expected to result in an absent or disrupted protein product. Loss-of-function variants in ROBO1 are known to be pathogenic (PMID: 29194579, 35227688). This variant is not present in population databases (gnomAD no frequency). This variant has not been reported in the literature in individuals affected with ROBO1-related conditions. For these reasons, this variant has been classified as Pathogenic.

Literature cited by the submitters: PubMed 29194579 (cited by Labcorp Genetics (formerly Invitae), Labcorp); PubMed 35227688 (cited by Labcorp Genetics (formerly Invitae), Labcorp).

NM_002941.4(ROBO1):c.769_772del (p.Thr257fs)

Gene: ROBO1 (roundabout guidance receptor 1; minus strand). Cytogenetic location: 3p12.3.
Variant type: Deletion.
Coding change: c.769_772del on transcript NM_002941.4 (MANE Select); coding-DNA positions 769 to 772, 4 bases deleted (ACTG; older notation c.769_772delACTG).
Protein change: p.Thr257fs; shifts the reading frame from threonine 257.
Molecular consequence: frameshift variant.
Genome position (GRCh38, 1-based): chr3:78,717,769-78,717,772, CAGT deleted on the plus strand (ACTG on the coding strand, the reverse complement: ROBO1 is on the minus strand); deleting any 4 consecutive bases within chr3:78,717,769-78,717,775 gives the same sequence; the c. name uses the placement nearest the transcript's 3' end. VCF-style (leftmost placement, unchanged base first): chr3-78717768-ACAGT-A. GRCh37 (hg19) VCF-style: chr3-78766918-ACAGT-A.
Other names: c.649_652delCTGA, p.Thr218Serfs (NM_001145844.1); c.652_655del, p.Thr218fs (NM_001145845.2, NM_133631.4); c.769_772del (NM_002941.3); short protein forms T218fs, T257fs.
Identifiers: ClinVar variation 3009110 (VCV003009110.4), dbSNP rs761322350, ClinGen allele CA2499163.
Genomic context (GRCh38, chr3:78,717,768, plus strand): 5'-CAAAATGATAAGAGATCTATTTTTCAATGAGAAGATTAAATAAAATTACACTTACCTAAG[ACAGT>A]CAGCTCGGCTACTTCACTCTCACGTTCCCCAACCATATTGGTACCAACACAAACATATTT-3'